The following is an entry in ClinVar:

ClinVar aggregate classification (germline): Benign. Review status: criteria provided, multiple submitters, no conflicts (2 of 4 stars). 2 submissions from 2 submitters: Benign (2). Last evaluated 2018-01-12.

Conditions:
Cerebral cavernous malformation 3. Also called: Familial Cerebral Cavernous Malformation 3. Identifiers: Orphanet 221061, MedGen C1864040, MONDO:0011305, OMIM 603285.

Allele frequency attached by ClinVar (database versions not stated): 1000 Genomes Project 0.09525; gnomAD 0.16968 and 0.16613; 1000 Genomes Project 30x 0.09416; TOPMed 0.15420; gnomAD exomes 0.06250.
gnomAD v4.1: 25,215 of 152,152 alleles (17%); highest among the groups gnomAD compares: Non-Finnish European, 23%; 2,407 homozygotes.

Submissions (2):

Illumina Laboratory Services, Illumina
Classification: Benign for Cerebral cavernous malformation 3. Last evaluated: 2018-01-12. Review status: criteria provided, single submitter. Criteria: ICSL Variant Classification Criteria 13 December 2019. Collection method: clinical testing. Allele origin: germline.
Comment: This variant was observed in the ICSL laboratory as part of a predisposition screen in an ostensibly healthy population. It had not been previously curated by ICSL or reported in the Human Gene Mutation Database (HGMD: prior to June 1st, 2018), and was therefore a candidate for classification through an automated scoring system. Utilizing variant allele frequency, disease prevalence and penetrance estimates, and inheritance mode, an automated score was calculated to assess if this variant is too frequent to cause the disease. Based on the score and internal cut-off values, a variant classified as benign is not then subjected to further curation. The score for this variant resulted in a classification of benign for this disease.

Breakthrough Genomics
Classification: Benign. Review status: criteria provided, single submitter. Criteria: ACMG Guidelines, 2015. Collection method: not provided. Allele origin: germline. Inheritance: Autosomal dominant inheritance. Affected: yes.

NM_145860.1(PDCD10):c.-1226C>T

Genes: PDCD10 (programmed cell death 10; minus strand), SERPINI1 (serpin family I member 1; plus strand). Cytogenetic location: 3q26.1.
Variant type: single nucleotide variant.
Coding change: c.-1226C>T on transcript NM_145860.1; 1226 bases upstream of the start codon, C replaced by T.
Molecular consequence: intron variant (on NM_001122752.2). On other transcripts: 5 prime UTR variant (1).
Genome position (GRCh38, 1-based): chr3:167,735,915, G>A on the plus strand (C>T on the coding strand, the complement: PDCD10 is on the minus strand). VCF-style: chr3-167735915-G-A. GRCh37 (hg19) VCF-style: chr3-167453703-G-A.
Other names: c.-239G>A (NM_005025.5); c.-19+92G>A (NM_001122752.2).
Identifiers: ClinVar variation 344116 (VCV000344116.9), dbSNP rs9835352, ClinGen allele CA10615280.